The following is an entry in ClinVar:

ClinVar aggregate classification (germline): Uncertain significance (1 of 4 stars; one submission).

Submission:

Labcorp Genetics (formerly Invitae), Labcorp
Classification: Uncertain significance. Last evaluated: 2025-04-10. Review status: criteria provided, single submitter. Criteria: Invitae Variant Classification Sherloc (09022015). Collection method: clinical testing. Allele origin: germline.
Comment: This sequence change replaces isoleucine, which is neutral and non-polar, with valine, which is neutral and non-polar, at codon 549 of the NTRK2 protein (p.Ile549Val). This variant is not present in population databases (gnomAD no frequency). This variant has not been reported in the literature in individuals affected with NTRK2-related conditions. ClinVar contains an entry for this variant (Variation ID: 2071600). Invitae Evidence Modeling of protein sequence and biophysical properties (such as structural, functional, and spatial information, amino acid conservation, physicochemical variation, residue mobility, and thermodynamic stability) indicates that this missense variant is not expected to disrupt NTRK2 protein function with a negative predictive value of 80%. In summary, the available evidence is currently insufficient to determine the role of this variant in disease. Therefore, it has been classified as a Variant of Uncertain Significance.

NM_006180.6(NTRK2):c.1645A>G (p.Ile549Val)

Gene: NTRK2 (neurotrophic receptor tyrosine kinase 2; plus strand). Cytogenetic location: 9q21.33.
Variant type: single nucleotide variant.
Coding change: c.1645A>G on transcript NM_006180.6 (MANE Select); coding-DNA position 1645, A replaced by G.
Protein change: p.Ile549Val; replaces isoleucine 549 with valine.
Molecular consequence: missense variant.
Genome position (GRCh38, 1-based): chr9:84,934,173, A>G. VCF-style: chr9-84934173-A-G. GRCh37 (hg19) VCF-style: chr9-87549088-A-G.
Other names: c.1597A>G, p.Ile533Val (NM_001018064.3, NM_001369532.1, NM_001369533.1); c.1561A>G, p.Ile521Val (NM_001369534.1); c.1129A>G, p.Ile377Val (NM_001369535.1); c.1177A>G, p.Ile393Val (NM_001369536.1); c.1645A>G, p.Ile549Val (NM_001381928.1); short protein forms I377V, I393V, I521V, I533V, I549V.
Identifiers: ClinVar variation 2071600 (VCV002071600.4), dbSNP rs2491371883, ClinGen allele CA374006238.